The following is an entry in ClinVar:

ClinVar aggregate classification (germline): Uncertain significance (1 of 4 stars; one submission).

Conditions:
Arrhythmogenic right ventricular dysplasia 9 (ARVD9). Also called: Arrhythmogenic Right Ventricular Dysplasia/Cardiomyopathy 9; ARRHYTHMOGENIC RIGHT VENTRICULAR DYSPLASIA, FAMILIAL, 9. Identifiers: MedGen C1836906, MONDO:0012180, OMIM 609040.

gnomAD v4.1: 2 of 535,278 alleles (0.00037%); highest among the groups gnomAD compares: African/African-American, 0.0019%; no homozygotes.

Submission:

Labcorp Genetics (formerly Invitae), Labcorp
Classification: Uncertain significance for Arrhythmogenic right ventricular dysplasia 9. Last evaluated: 2025-04-24. Review status: criteria provided, single submitter. Criteria: Invitae Variant Classification Sherloc (09022015). Collection method: clinical testing. Allele origin: germline.
Comment: This sequence change replaces proline, which is neutral and non-polar, with arginine, which is basic and polar, at codon 500 of the PKP2 protein (p.Pro500Arg). This variant is present in population databases (no rsID available, gnomAD 0.01%). This variant has not been reported in the literature in individuals affected with PKP2-related conditions. An algorithm developed to predict the effect of missense changes on protein structure and function (PolyPhen-2) suggests that this variant is likely to be tolerated. In summary, the available evidence is currently insufficient to determine the role of this variant in disease. Therefore, it has been classified as a Variant of Uncertain Significance.

NM_001005242.3(PKP2):c.1379-1988C>G

Gene: PKP2 (plakophilin 2; minus strand). Cytogenetic location: 12p11.21.
Variant type: single nucleotide variant.
Coding change: c.1379-1988C>G on transcript NM_001005242.3 (MANE Select); 1988 bases into the intron before coding-DNA position 1379, C replaced by G.
Molecular consequence: intron variant. On other transcripts: missense variant (2).
Genome position (GRCh38, 1-based): chr12:32,843,193, G>C on the plus strand (C>G on the coding strand, the complement: PKP2 is on the minus strand). VCF-style: chr12-32843193-G-C. GRCh37 (hg19) VCF-style: chr12-32996127-G-C.
Other names: c.1499C>G, p.Pro500Arg (NM_001407157.1, NM_004572.4); c.1379-1988C>G (NM_001407156.1, NM_001407155.1, NM_001407161.1); c.1052-1988C>G (NM_001407160.1, NM_001407159.1, NM_001407158.1 and 1 more transcripts); short protein forms P500R.
Identifiers: ClinVar variation 4799481 (VCV004799481.1).